The following is an entry in ClinVar:

NM_000532.5(PCCB):c.965C>T (p.Ser322Phe)

Gene: PCCB (propionyl-CoA carboxylase subunit beta; plus strand). Cytogenetic location: 3q22.3.
Variant type: single nucleotide variant.
Coding change: c.965C>T on transcript NM_000532.5 (MANE Select); coding-DNA position 965, C replaced by T.
Protein change: p.Ser322Phe; replaces serine 322 with phenylalanine.
Molecular consequence: missense variant.
Genome position (GRCh38, 1-based): chr3:136,301,110, C>T. VCF-style: chr3-136301110-C-T. GRCh37 (hg19) VCF-style: chr3-136019952-C-T.
Other names: c.1025C>T, p.Ser342Phe (NM_001178014.2); short protein forms S322F, S342F.
Identifiers: ClinVar variation 864489 (VCV000864489.6), dbSNP rs1034824113, ClinGen allele CA354645760.

ClinVar aggregate classification (germline): Uncertain significance (1 of 4 stars; one submission).

Conditions:
Propionic acidemia (PROP). Also called: HYPERGLYCINEMIA WITH KETOACIDOSIS AND LEUKOPENIA; KETOTIC HYPERGLYCINEMIA; GLYCINEMIA, KETOTIC. Identifiers: Orphanet 35, MedGen C0268579, MONDO:0011628, OMIM 606054, HP:0003571.

Allele frequency attached by ClinVar (database versions not stated): gnomAD exomes below 0.00001.
gnomAD v4.1: 1 of 1,608,582 alleles (0.000062%); highest among the groups gnomAD compares: Non-Finnish European, 0.000085%; no homozygotes.

Submission:

Labcorp Genetics (formerly Invitae), Labcorp
Classification: Uncertain significance for Propionic acidemia. Last evaluated: 2021-08-31. Review status: criteria provided, single submitter. Criteria: Invitae Variant Classification Sherloc (09022015). Collection method: clinical testing. Allele origin: germline.
Comment: This sequence change replaces serine with phenylalanine at codon 322 of the PCCB protein (p.Ser322Phe). The serine residue is moderately conserved and there is a large physicochemical difference between serine and phenylalanine. This variant is not present in population databases (ExAC no frequency). This missense change has been observed in individual(s) with propionic acidemia (Invitae). Algorithms developed to predict the effect of missense changes on protein structure and function are either unavailable or do not agree on the potential impact of this missense change (SIFT: "Deleterious"; PolyPhen-2: "Benign"; Align-GVGD: "Class C15"). In summary, the available evidence is currently insufficient to determine the role of this variant in disease. Therefore, it has been classified as a Variant of Uncertain Significance.